The following is an entry in ClinVar:

ClinVar aggregate classification (germline): Likely benign. Review status: criteria provided, multiple submitters, no conflicts (2 of 4 stars). 4 submissions from 4 submitters: Likely benign (4). Last evaluated 2026-03-01.

Conditions:
Inborn genetic diseases. Identifiers: MedGen C0950123, MeSH D030342.

Allele frequency attached by ClinVar (database versions not stated): gnomAD 0.00004 and 0.00005; gnomAD exomes 0.00006 and 0.00008; TOPMed 0.00006; ExAC 0.00007; ESP Exome Variant Server 0.00008.
gnomAD v4.1: 95 of 1,614,014 alleles (0.0059%); highest among the groups gnomAD compares: Admixed American, 0.013%; no homozygotes.

Submissions (4):

CeGaT Center for Human Genetics Tuebingen
Classification: Likely benign. Last evaluated: 2026-03-01. Review status: criteria provided, single submitter. Criteria: CeGaT Center For Human Genetics Tuebingen Variant Classification Criteria Version 2. Collection method: clinical testing. Allele origin: germline. Affected: yes. Observed: 2 variant alleles.
Comment: ASXL1: BP4, BP7

Labcorp Genetics (formerly Invitae), Labcorp
Classification: Likely benign. Last evaluated: 2025-11-15. Review status: criteria provided, single submitter. Criteria: Invitae Variant Classification Sherloc (09022015). Collection method: clinical testing. Allele origin: germline.

Ambry Genetics
Classification: Likely benign for Inborn genetic diseases. Last evaluated: 2024-10-05. Review status: criteria provided, single submitter. Criteria: Ambry Variant Classification Scheme 2023. Collection method: clinical testing. Allele origin: germline.

Blueprint Genetics
Classification: Likely benign. Last evaluated: 2023-05-24. Review status: criteria provided, single submitter. Criteria: ACMG Guidelines, 2015. Collection method: clinical testing. Allele origin: germline.

NM_015338.6(ASXL1):c.369C>T (p.Asn123=)

Gene: ASXL1 (ASXL transcriptional regulator 1; plus strand). Cytogenetic location: 20q11.21.
Variant type: single nucleotide variant.
Coding change: c.369C>T on transcript NM_015338.6 (MANE Select); coding-DNA position 369, C replaced by T.
Protein change: p.Asn123=; no amino-acid change (asparagine 123 retained).
Molecular consequence: synonymous variant.
Genome position (GRCh38, 1-based): chr20:32,428,244, C>T. VCF-style: chr20-32428244-C-T. GRCh37 (hg19) VCF-style: chr20-31016047-C-T.
Other names: c.339C>T, p.Asn113= (NM_001363734.1).
Identifiers: ClinVar variation 743383 (VCV000743383.14), dbSNP rs376332327, ClinGen allele CA9808060.